The following is an entry in ClinVar:

NM_024496.4(IRF2BPL):c.1309G>A (p.Val437Met)

Gene: IRF2BPL (interferon regulatory factor 2 binding protein like; minus strand). Cytogenetic location: 14q24.3.
Variant type: single nucleotide variant.
Coding change: c.1309G>A on transcript NM_024496.4 (MANE Select); coding-DNA position 1309, G replaced by A.
Protein change: p.Val437Met; replaces valine 437 with methionine.
Molecular consequence: missense variant.
Genome position (GRCh38, 1-based): chr14:77,026,484, C>T on the plus strand (G>A on the coding strand, the complement: IRF2BPL is on the minus strand). VCF-style: chr14-77026484-C-T. GRCh37 (hg19) VCF-style: chr14-77492827-C-T.
Other names: short protein forms V437M.
Identifiers: ClinVar variation 3371682 (VCV003371682.2).

ClinVar aggregate classification (germline): Uncertain significance (1 of 4 stars; one submission).

gnomAD v4.1: 2 of 1,613,602 alleles (0.00012%); highest among the groups gnomAD compares: Non-Finnish European, 0.000085%; no homozygotes.

Submission:

GeneDx
Classification: Uncertain significance. Last evaluated: 2025-12-12. Review status: criteria provided, single submitter. Criteria: GeneDx Variant Classification Process June 2021. Collection method: clinical testing. Allele origin: germline. Affected: yes.
Comment: Not observed at significant frequency in large population cohorts (gnomAD); In silico analysis suggests that this missense variant does not alter protein structure/function; Has not been previously published as pathogenic or benign to our knowledge.